The following is an entry in ClinVar:

NM_000211.5(ITGB2):c.248G>A (p.Ser83Asn)

Gene: ITGB2 (integrin subunit beta 2; minus strand). Cytogenetic location: 21q22.3.
Variant type: single nucleotide variant.
Coding change: c.248G>A on transcript NM_000211.5 (MANE Select); coding-DNA position 248, G replaced by A.
Protein change: p.Ser83Asn; replaces serine 83 with asparagine.
Molecular consequence: missense variant.
Genome position (GRCh38, 1-based): chr21:44,906,995, C>T on the plus strand (G>A on the coding strand, the complement: ITGB2 is on the minus strand). VCF-style: chr21-44906995-C-T. GRCh37 (hg19) VCF-style: chr21-46326910-C-T.
Other names: c.248G>A, p.Ser83Asn (NM_001127491.3); c.41G>A, p.Ser14Asn (NM_001303238.2); short protein forms S14N, S83N.
Identifiers: ClinVar variation 1976456 (VCV001976456.2), dbSNP rs1368645784, ClinGen allele CA410479647.
Genomic context (GRCh38, chr21:44,906,995, plus strand): 5'-ACTTTTTGTGGGGACAGCTGCTTCTGGCCCCCATTGTGGTCTTCCTGGGTTTCAGCGAGG[C>T]TTGTGGGGTCCATGATGTCGTCAGCCGCACAGCCCCTCATGAGCAGCTGTGGCCGGGTGT-3'
Protein context (NP_000202.3, residues 73-93): CAADDIMDPT[Ser83Asn]LAETQEDHNG

ClinVar aggregate classification (germline): Uncertain significance (1 of 4 stars; one submission).

Conditions:
Leukocyte adhesion deficiency 1 (LAD1). Also called: LEUKOCYTE ADHESION DEFICIENCY, TYPE I; LAD 1; Lymphocyte function-associated antigen 1 immunodeficiency; LFA 1 immunodeficiency. Identifiers: Orphanet 2968, Orphanet 99842, MedGen C0398738, MONDO:0007293, OMIM 116920.

Allele frequency attached by ClinVar (database versions not stated): gnomAD exomes below 0.00001.
gnomAD v4.1: 1 of 1,614,196 alleles (0.000062%); highest among the groups gnomAD compares: Non-Finnish European, 0.000085%; no homozygotes.

Submission:

Labcorp Genetics (formerly Invitae), Labcorp
Classification: Uncertain significance for Leukocyte adhesion deficiency 1. Last evaluated: 2022-06-09. Review status: criteria provided, single submitter. Criteria: Invitae Variant Classification Sherloc (09022015). Collection method: clinical testing. Allele origin: germline.
Comment: This sequence change replaces serine, which is neutral and polar, with asparagine, which is neutral and polar, at codon 83 of the ITGB2 protein (p.Ser83Asn). This variant is not present in population databases (gnomAD no frequency). This variant has not been reported in the literature in individuals affected with ITGB2-related conditions. Algorithms developed to predict the effect of missense changes on protein structure and function are either unavailable or do not agree on the potential impact of this missense change (SIFT: "Deleterious"; PolyPhen-2: "Benign"; Align-GVGD: "Class C45"). In summary, the available evidence is currently insufficient to determine the role of this variant in disease. Therefore, it has been classified as a Variant of Uncertain Significance.